The following is an entry in ClinVar:

NM_005732.4(RAD50):c.2923-5T>C

Gene: RAD50 (RAD50 double strand break repair protein; plus strand). Cytogenetic location: 5q31.1.
Variant type: single nucleotide variant.
Coding change: c.2923-5T>C on transcript NM_005732.4 (MANE Select); 5 bases into the intron before coding-DNA position 2923, T replaced by C.
Molecular consequence: intron variant.
Genome position (GRCh38, 1-based): chr5:132,609,278, T>C. VCF-style: chr5-132609278-T-C. GRCh37 (hg19) VCF-style: chr5-131944970-T-C.
Identifiers: ClinVar variation 843299 (VCV000843299.11), dbSNP rs1751042239, ClinGen allele CA916082771.

ClinVar aggregate classification (germline): Conflicting classifications of pathogenicity. Review status: criteria provided, conflicting classifications (1 of 4 stars). 2 submissions from 2 submitters: Uncertain significance (1); Likely benign (1). Last evaluated 2025-09-05.

Conditions:
Hereditary cancer-predisposing syndrome. Also called: Hereditary Cancer Syndrome; Hereditary neoplastic syndrome; Tumor predisposition; Neoplastic Syndromes, Hereditary. Identifiers: Orphanet 140162, MedGen C0027672, MeSH D009386, MONDO:0015356.

Allele frequency attached by ClinVar (database versions not stated): gnomAD 0.00001; gnomAD exomes 0.00002; TOPMed below 0.00001.

Submissions (2):

Labcorp Genetics (formerly Invitae), Labcorp
Classification: Likely benign for Hereditary cancer-predisposing syndrome. Last evaluated: 2025-09-05. Review status: criteria provided, single submitter. Criteria: Invitae Variant Classification Sherloc (09022015). Collection method: clinical testing. Allele origin: germline.

Ambry Genetics
Classification: Uncertain significance for Hereditary cancer-predisposing syndrome. Last evaluated: 2023-11-08. Review status: criteria provided, single submitter. Criteria: Ambry Variant Classification Scheme 2023. Collection method: clinical testing. Allele origin: germline.
Comment: The c.2923-5T>C intronic variant results from a T to C substitution 5 nucleotides upstream from coding exon 19 in the RAD50 gene. This nucleotide position is not well conserved in available vertebrate species. In silico splice site analysis predicts that this alteration will not have any significant effect on splicing. Since supporting evidence is limited at this time, the clinical significance of this alteration remains unclear.